The following is an entry in ClinVar:

ClinVar aggregate classification (germline): Likely benign. Review status: criteria provided, multiple submitters, no conflicts (2 of 4 stars). 3 submissions from 3 submitters: Likely benign (3). Last evaluated 2024-12-03.

Conditions:
TP63-Related Spectrum Disorders.

Allele frequency attached by ClinVar (database versions not stated): ExAC 0.00013; gnomAD 0.00019 and 0.00021; gnomAD exomes 0.00020 and 0.00034; TOPMed 0.00020; ESP Exome Variant Server 0.00023.
gnomAD v4.1: 505 of 1,613,122 alleles (0.031%); highest among the groups gnomAD compares: Non-Finnish European, 0.039%; no homozygotes.

Submissions (3):

Labcorp Genetics (formerly Invitae), Labcorp
Classification: Likely benign. Last evaluated: 2024-12-03. Review status: criteria provided, single submitter. Criteria: Invitae Variant Classification Sherloc (09022015). Collection method: clinical testing. Allele origin: germline.

Blueprint Genetics
Classification: Likely benign. Last evaluated: 2024-06-04. Review status: criteria provided, single submitter. Criteria: ACMG Guidelines, 2015. Collection method: clinical testing. Allele origin: germline.

GeneDx
Classification: Likely benign. Last evaluated: 2018-01-26. Review status: criteria provided, single submitter. Criteria: GeneDx Variant Classification (06012015). Collection method: clinical testing. Allele origin: germline. Affected: yes.
Comment: This variant is considered likely benign or benign based on one or more of the following criteria: it is a conservative change, it occurs at a poorly conserved position in the protein, it is predicted to be benign by multiple in silico algorithms, and/or has population frequency not consistent with disease.

NM_003722.5(TP63):c.2034G>A (p.Glu678=)

Gene: TP63 (tumor protein p63; plus strand). Cytogenetic location: 3q28.
Variant type: single nucleotide variant.
Coding change: c.2034G>A on transcript NM_003722.5 (MANE Select); coding-DNA position 2034, G replaced by A.
Protein change: p.Glu678=; no amino-acid change (glutamic acid 678 retained).
Molecular consequence: synonymous variant. On other transcripts: 3 prime UTR variant (6).
Genome position (GRCh38, 1-based): chr3:189,894,493, G>A. VCF-style: chr3-189894493-G-A. GRCh37 (hg19) VCF-style: chr3-189612282-G-A.
Other names: c.*272G>A (NM_001114978.2, NM_001114981.2); c.1752G>A, p.Glu584= (NM_001114980.2); c.*262G>A (NM_001329144.2, NM_001329145.2, NM_001329149.2 and 1 more transcripts); c.1497G>A, p.Glu499= (NM_001329146.2); c.2022G>A, p.Glu674= (NM_001329148.2); c.2028G>A, p.Glu676= (NM_001329964.2).
Identifiers: ClinVar variation 515216 (VCV000515216.8), dbSNP rs140508531, ClinGen allele CA2752617.